The following is an entry in ClinVar:

NM_018136.5(ASPM):c.6131A>G (p.Asn2044Ser)

Gene: ASPM (assembly factor for spindle microtubules; minus strand). Cytogenetic location: 1q31.3.
Variant type: single nucleotide variant.
Coding change: c.6131A>G on transcript NM_018136.5 (MANE Select); coding-DNA position 6131, A replaced by G.
Protein change: p.Asn2044Ser; replaces asparagine 2044 with serine.
Molecular consequence: missense variant. On other transcripts: intron variant (1).
Genome position (GRCh38, 1-based): chr1:197,103,120, T>C on the plus strand (A>G on the coding strand, the complement: ASPM is on the minus strand). VCF-style: chr1-197103120-T-C. GRCh37 (hg19) VCF-style: chr1-197072250-T-C.
Other names: c.4066-6956A>G (NM_001206846.2); short protein forms N2044S.
Identifiers: ClinVar variation 157851 (VCV000157851.58), dbSNP rs145645602, ClinGen allele CA271079.
Genomic context (GRCh38, chr1:197,103,120, plus strand): 5'-GCATATTTCTTTTTGGTTTTGTAAGCTCTGTATTTAGACTGTATAGTGACTGCTGCTTTG[T>C]TGCAATCCTTTATTCTTTTTCTCACTTTCATACCACGATAAGCTGACTGTAAAGTTACTA-3'
Protein context (NP_060606.3, residues 2034-2054): MKVRKRIKDC[Asn2044Ser]KAAVTIQSKY

ClinVar aggregate classification (germline): Conflicting classifications of pathogenicity. Review status: criteria provided, conflicting classifications (1 of 4 stars). 7 submissions from 7 submitters: Uncertain significance (6); Likely benign (1). Last evaluated 2022-08-23.

Conditions:
Microcephaly 5, primary, autosomal recessive (MCPH5). Also called: ASPM Primary Microcephaly. Identifiers: Orphanet 2512, MedGen C1837501, MONDO:0012106, OMIM 608716.

Allele frequency attached by ClinVar (database versions not stated): gnomAD 0.00007 and 0.00008; gnomAD exomes 0.00011 and 0.00027; ESP Exome Variant Server 0.00031; TOPMed 0.00007; ExAC 0.00011.
gnomAD v4.1: 389 of 1,612,732 alleles (0.024%); highest among the groups gnomAD compares: Non-Finnish European, 0.032%; no homozygotes.

Submissions (7):

Labcorp Genetics (formerly Invitae), Labcorp
Classification: Uncertain significance. Last evaluated: 2022-08-23. Review status: criteria provided, single submitter. Criteria: Invitae Variant Classification Sherloc (09022015). Collection method: clinical testing. Allele origin: germline.
Comment: This sequence change replaces asparagine, which is neutral and polar, with serine, which is neutral and polar, at codon 2044 of the ASPM protein (p.Asn2044Ser). This variant is present in population databases (rs145645602, gnomAD 0.02%). This variant has not been reported in the literature in individuals affected with ASPM-related conditions. ClinVar contains an entry for this variant (Variation ID: 157851). Algorithms developed to predict the effect of missense changes on protein structure and function output the following: SIFT: "Tolerated"; PolyPhen-2: "Benign"; Align-GVGD: "Class C0". The serine amino acid residue is found in multiple mammalian species, which suggests that this missense change does not adversely affect protein function. In summary, the available evidence is currently insufficient to determine the role of this variant in disease. Therefore, it has been classified as a Variant of Uncertain Significance.

GeneDx
Classification: Likely benign. Last evaluated: 2019-12-24. Review status: criteria provided, single submitter. Criteria: GeneDx Variant Classification Process June 2021. Collection method: clinical testing. Allele origin: germline. Affected: yes.

Baylor Genetics
Classification: Uncertain significance for Microcephaly 5, primary, autosomal recessive. Last evaluated: 2019-04-11. Review status: criteria provided, single submitter. Criteria: ACMG Guidelines, 2015. Collection method: clinical testing. Allele origin: unknown. Affected: yes.
Comment: This variant was determined to be of uncertain significance according to ACMG Guidelines, 2015 [PMID:25741868].

CeGaT Center for Human Genetics Tuebingen
Classification: Uncertain significance. Last evaluated: 2019-04-01. Review status: criteria provided, single submitter. Criteria: CeGaT Center For Human Genetics Tuebingen Variant Classification Criteria Version 2. Collection method: clinical testing. Allele origin: germline. Affected: yes. Observed: 1 variant allele.

Fulgent Genetics
Classification: Uncertain significance for Microcephaly 5, primary, autosomal recessive. Last evaluated: 2018-10-31. Review status: criteria provided, single submitter. Criteria: ACMG Guidelines, 2015. Collection method: clinical testing. Allele origin: unknown.

Illumina Laboratory Services, Illumina
Classification: Uncertain significance for Microcephaly 5, primary, autosomal recessive. Last evaluated: 2018-01-13. Review status: criteria provided, single submitter. Criteria: ICSL Variant Classification Criteria 13 December 2019. Collection method: clinical testing. Allele origin: germline.

Genetic Services Laboratory, University of Chicago
Classification: Uncertain significance for Microcephaly 5, primary, autosomal recessive. Last evaluated: 2013-02-08. Review status: criteria provided, single submitter. Criteria: ACMG Guidelines, 2007. Collection method: clinical testing. Allele origin: germline. Inheritance: Autosomal recessive inheritance.